The following is an entry in ClinVar:

ClinVar aggregate classification (germline): Uncertain significance (1 of 4 stars; one submission).

Conditions:
Frontotemporal dementia and/or amyotrophic lateral sclerosis 4. Also called: FTDALS4. Identifiers: Orphanet 275872, MedGen C4225325, MONDO:0014641, OMIM 616439.

Allele frequency attached by ClinVar (database versions not stated): gnomAD exomes below 0.00001.
gnomAD v4.1: 1 of 1,611,294 alleles (0.000062%); no homozygotes.

Submission:

Labcorp Genetics (formerly Invitae), Labcorp
Classification: Uncertain significance for Frontotemporal dementia and/or amyotrophic lateral sclerosis 4. Last evaluated: 2024-10-24. Review status: criteria provided, single submitter. Criteria: Invitae Variant Classification Sherloc (09022015). Collection method: clinical testing. Allele origin: germline.
Comment: This sequence change replaces leucine, which is neutral and non-polar, with valine, which is neutral and non-polar, at codon 269 of the TBK1 protein (p.Leu269Val). This variant is not present in population databases (gnomAD no frequency). This variant has not been reported in the literature in individuals affected with TBK1-related conditions. Invitae Evidence Modeling of protein sequence and biophysical properties (such as structural, functional, and spatial information, amino acid conservation, physicochemical variation, residue mobility, and thermodynamic stability) indicates that this missense variant is not expected to disrupt TBK1 protein function with a negative predictive value of 95%. In summary, the available evidence is currently insufficient to determine the role of this variant in disease. Therefore, it has been classified as a Variant of Uncertain Significance.

NM_013254.4(TBK1):c.805C>G (p.Leu269Val)

Gene: TBK1 (TANK binding kinase 1; plus strand). Cytogenetic location: 12q14.2.
Variant type: single nucleotide variant.
Coding change: c.805C>G on transcript NM_013254.4 (MANE Select); coding-DNA position 805, C replaced by G.
Protein change: p.Leu269Val; replaces leucine 269 with valine.
Molecular consequence: missense variant.
Genome position (GRCh38, 1-based): chr12:64,480,115, C>G. VCF-style: chr12-64480115-C-G. GRCh37 (hg19) VCF-style: chr12-64873895-C-G.
Other names: short protein forms L269V.
Identifiers: ClinVar variation 2805075 (VCV002805075.3), dbSNP rs2539511198, ClinGen allele CA385598778.
Genomic context (GRCh38, chr12:64,480,115, plus strand): 5'-GTACAGAAAGCAGAAAATGGACCAATTGACTGGAGTGGAGACATGCCTGTTTCTTGCAGT[C>G]TTTCTCGGTAAGTATGGTGTACCTAATTCTCATCTTTTGCACTTTGGTGTTTGAAATCTT-3'
Protein context (NP_037386.1, residues 259-279): WSGDMPVSCS[Leu269Val]SRGLQVLLTP